The following is an entry in ClinVar:

NM_001004459.2(OR1S2):c.267C>T (p.Ser89=)

Gene: OR1S2 (olfactory receptor family 1 subfamily S member 2; minus strand). Cytogenetic location: 11q12.1.
Variant type: single nucleotide variant.
Coding change: c.267C>T on transcript NM_001004459.2 (MANE Select); coding-DNA position 267, C replaced by T.
Protein change: p.Ser89=; no amino-acid change (serine 89 retained).
Molecular consequence: synonymous variant.
Genome position (GRCh38, 1-based): chr11:58,203,876, G>A on the plus strand (C>T on the coding strand, the complement: OR1S2 is on the minus strand). VCF-style: chr11-58203876-G-A. GRCh37 (hg19) VCF-style: chr11-57971348-G-A.
Identifiers: ClinVar variation 2641802 (VCV002641802.24), dbSNP rs757054421, ClinGen allele CA6012034.
Genomic context (GRCh38, chr11:58,203,876, plus strand): 5'-GACGACAAACACAATAGAAAAGTACATCTGTGTGATGCAGCTCTCATAAGAGATGGATTG[G>A]CTGTTGGTTTGAATATTCACCAGCATTTTGGGGACTGAGTTGGAAATGGAGGAAATATCA-3'
Protein context (NP_001004459.2, residues 79-99): PKMLVNIQTN[Ser89=]QSISYESCIT

ClinVar aggregate classification (germline): Likely benign (1 of 4 stars; one submission).

Allele frequency attached by ClinVar (database versions not stated): gnomAD exomes 0.00001; TOPMed 0.00001; ExAC 0.00002.

Submission:

CeGaT Center for Human Genetics Tuebingen
Classification: Likely benign. Last evaluated: 2023-03-01. Review status: criteria provided, single submitter. Criteria: CeGaT Center For Human Genetics Tuebingen Variant Classification Criteria Version 2. Collection method: clinical testing. Allele origin: germline. Affected: yes. Observed: 1 variant allele.
Comment: OR1S2: BP4, BP7